The following is an entry in ClinVar:

NM_006231.4(POLE):c.1688A>G (p.Asn563Ser)

Gene: POLE (DNA polymerase epsilon, catalytic subunit; minus strand). Cytogenetic location: 12q24.33.
Variant type: single nucleotide variant.
Coding change: c.1688A>G on transcript NM_006231.4 (MANE Select); coding-DNA position 1688, A replaced by G.
Protein change: p.Asn563Ser; replaces asparagine 563 with serine.
Molecular consequence: missense variant.
Genome position (GRCh38, 1-based): chr12:132,672,321, T>C on the plus strand (A>G on the coding strand, the complement: POLE is on the minus strand). VCF-style: chr12-132672321-T-C. GRCh37 (hg19) VCF-style: chr12-133248907-T-C.
Other names: short protein forms N563S.
Identifiers: ClinVar variation 937357 (VCV000937357.6), dbSNP rs2042947570, ClinGen allele CA387356423.

ClinVar aggregate classification (germline): Uncertain significance (1 of 4 stars; one submission).

Submission:

Labcorp Genetics (formerly Invitae), Labcorp
Classification: Uncertain significance. Last evaluated: 2025-06-17. Review status: criteria provided, single submitter. Criteria: Invitae Variant Classification Sherloc (09022015). Collection method: clinical testing. Allele origin: germline.
Comment: This sequence change replaces asparagine, which is neutral and polar, with serine, which is neutral and polar, at codon 563 of the POLE protein (p.Asn563Ser). This variant is not present in population databases (gnomAD no frequency). This variant has not been reported in the literature in individuals affected with POLE-related conditions. ClinVar contains an entry for this variant (Variation ID: 937357). An algorithm developed to predict the effect of missense changes on protein structure and function (PolyPhen-2) suggests that this variant is likely to be tolerated. In summary, the available evidence is currently insufficient to determine the role of this variant in disease. Therefore, it has been classified as a Variant of Uncertain Significance.